The following is an entry in ClinVar:

ClinVar aggregate classification (germline): Uncertain significance (1 of 4 stars; one submission).

Conditions:
Epileptic encephalopathy. Identifiers: MedGen C0543888, HP:0200134.

Allele frequency attached by ClinVar (database versions not stated): gnomAD exomes below 0.00001.
gnomAD v4.1: 2 of 1,605,870 alleles (0.00012%); highest among the groups gnomAD compares: African/African-American, 0.0027%; no homozygotes.

Submission:

Labcorp Genetics (formerly Invitae), Labcorp
Classification: Uncertain significance for Epileptic encephalopathy. Last evaluated: 2022-02-04. Review status: criteria provided, single submitter. Criteria: Invitae Variant Classification Sherloc (09022015). Collection method: clinical testing. Allele origin: germline.
Comment: In summary, the available evidence is currently insufficient to determine the role of this variant in disease. Therefore, it has been classified as a Variant of Uncertain Significance. Algorithms developed to predict the effect of missense changes on protein structure and function are either unavailable or do not agree on the potential impact of this missense change (SIFT: "Deleterious"; PolyPhen-2: "Probably Damaging"; Align-GVGD: "Class C0"). This variant has not been reported in the literature in individuals affected with FASN-related conditions. This variant is not present in population databases (gnomAD no frequency). This sequence change replaces leucine, which is neutral and non-polar, with phenylalanine, which is neutral and non-polar, at codon 1218 of the FASN protein (p.Leu1218Phe).

NM_004104.5(FASN):c.3652C>T (p.Leu1218Phe)

Gene: FASN (fatty acid synthase; minus strand). Cytogenetic location: 17q25.3.
Variant type: single nucleotide variant.
Coding change: c.3652C>T on transcript NM_004104.5 (MANE Select); coding-DNA position 3652, C replaced by T.
Protein change: p.Leu1218Phe; replaces leucine 1218 with phenylalanine.
Molecular consequence: missense variant.
Genome position (GRCh38, 1-based): chr17:82,086,334, G>A on the plus strand (C>T on the coding strand, the complement: FASN is on the minus strand). VCF-style: chr17-82086334-G-A. GRCh37 (hg19) VCF-style: chr17-80044210-G-A.
Other names: short protein forms L1218F.
Identifiers: ClinVar variation 1514762 (VCV001514762.8), dbSNP rs1241494145, ClinGen allele CA401551532.